The following is an entry in ClinVar:

NM_000130.5(F5):c.6658G>T (p.Gly2220Cys)

Gene: F5 (coagulation factor V; minus strand). Cytogenetic location: 1q24.2.
Variant type: single nucleotide variant.
Coding change: c.6658G>T on transcript NM_000130.5 (MANE Select); coding-DNA position 6658, G replaced by T.
Protein change: p.Gly2220Cys; replaces glycine 2220 with cysteine.
Molecular consequence: missense variant.
Genome position (GRCh38, 1-based): chr1:169,514,330, C>A on the plus strand (G>T on the coding strand, the complement: F5 is on the minus strand). VCF-style: chr1-169514330-C-A. GRCh37 (hg19) VCF-style: chr1-169483568-C-A.
Other names: p.Gly2220Cys; short protein forms G2220C.
Identifiers: ClinVar variation 3376900 (VCV003376900.2).

ClinVar aggregate classification (germline): Likely pathogenic. Review status: criteria provided, multiple submitters, no conflicts (2 of 4 stars). 2 submissions from 2 submitters: Likely pathogenic (2). Last evaluated 2025-01-10.

Conditions:
Congenital factor V deficiency. Also called: LABILE FACTOR DEFICIENCY; OWREN PARAHEMOPHILIA; PARAHEMOPHILIA; Hereditary factor V deficiency disease. Identifiers: Orphanet 326, MedGen C0015499, MONDO:0009210, OMIM 227400.

gnomAD v4.1: 47 of 1,613,110 alleles (0.0029%); highest among the groups gnomAD compares: Non-Finnish European, 0.0038%; no homozygotes.

Submissions (2):

Mayo Clinic Laboratories, Mayo Clinic
Classification: Likely pathogenic. Last evaluated: 2025-01-10. Review status: criteria provided, single submitter. Criteria: ACMG Guidelines, 2015. Collection method: clinical testing. Allele origin: germline. Observed: 1 variant allele.
Comment: PP3_strong, PM1_supporting, PM2_supporting, PS3_supporting

Victorian Clinical Genetics Services, Murdoch Childrens Research Institute
Classification: Likely pathogenic for Congenital factor V deficiency. Last evaluated: 2022-02-02. Review status: criteria provided, single submitter. Criteria: ACMG Guidelines, 2015. Collection method: clinical testing. Allele origin: germline.
Comment: Based on the classification scheme VCGS_Germline_v1.3.4, this variant is classified as Likely pathogenic. Following criteria are met: 0103 – Loss of function and gain of function and loss of function are known mechanisms of disease in this gene. Loss of function leads to factor V deficiency (MIM#227400), whereas gain of function is associated with thrombophilia due to activated protein C resistance (MIM#188055) (PMID: 30297698). (I) 0108 - This gene is associated with both recessive and dominant disease. Factor V deficiency (MIM# 227400) is inherited in a recessive manner, however thrombophilia due to activated protein C resistance (MIM#188055) is autosomal dominant, although the risk is increased when recessive inheritance occurs. (I) 0200 - Variant is predicted to result in a missense amino acid change from glycine to cysteine. (I) 0251 - This variant is heterozygous. (I) 0304 - Variant is present in gnomAD (v2, v3) <0.01 for a condition (2 heterozygotes, 0 homozygotes). (SP) 0501 - Missense variant consistently predicted to be damaging by multiple in silico tools or highly conserved with a major amino acid change. (SP) 0604 - Variant is not located in an established domain, motif, hotspot or informative constraint region. (I) 0705 - No comparable missense variants have previous evidence for pathogenicity. (I) 0803 - This variant has limited previous evidence of pathogenicity in an unrelated individual. This individual has severe FV deficiency and a second variant also in the F5 gene (Poster abstract, Talbot K.). (SP) 0905 - No published segregation evidence has been identified for this variant. (I) 1005 - Clinically accredited laboratory assay specific to gene product shows abnormal protein function. (SP) 1208 - Inheritance information for this variant is not currently available in this individual. (I) Legend: (SP) - Supporting pathogenic, (I) - Information, (SB) - Supporting benign

Literature cited by the submitters: PubMed 39118297 (cited by Mayo Clinic Laboratories, Mayo Clinic); PubMed 30297698 (cited by Victorian Clinical Genetics Services, Murdoch Childrens Research Institute).